The following is an entry in ClinVar:

NM_000023.4(SGCA):c.488G>C (p.Gly163Ala)

Gene: SGCA (sarcoglycan alpha; plus strand). Cytogenetic location: 17q21.33.
Variant type: single nucleotide variant.
Coding change: c.488G>C on transcript NM_000023.4 (MANE Select); coding-DNA position 488, G replaced by C.
Protein change: p.Gly163Ala; replaces glycine 163 with alanine.
Molecular consequence: missense variant. On other transcripts: non-coding transcript variant (1).
Genome position (GRCh38, 1-based): chr17:50,168,476, G>C. VCF-style: chr17-50168476-G-C. GRCh37 (hg19) VCF-style: chr17-48245837-G-C.
Other names: c.488G>C, p.Gly163Ala (NM_001135697.3); short protein forms G163A.
Identifiers: ClinVar variation 889019 (VCV000889019.9), dbSNP rs1356585975, ClinGen allele CA400179975.

ClinVar aggregate classification (germline): Uncertain significance. Review status: criteria provided, multiple submitters, no conflicts (2 of 4 stars). 3 submissions from 3 submitters: Uncertain significance (3). Last evaluated 2023-02-08.

Conditions:
Sarcoglycanopathy. Identifiers: Orphanet 207052, MedGen C2936331, MONDO:0016140.
Autosomal recessive limb-girdle muscular dystrophy type 2D (LGMDR3). Also called: DUCHENNE-LIKE AUTOSOMAL RECESSIVE MUSCULAR DYSTROPHY, TYPE 2; ADHALINOPATHY, PRIMARY; MUSCULAR DYSTROPHY, LIMB-GIRDLE, AUTOSOMAL RECESSIVE 3. Identifiers: Orphanet 62, MedGen C2936332, MONDO:0011968, OMIM 608099. Disease mechanism: Affects gamma-sarcoglycan and also disrupts the integrity of the entire sarcoglycan complex..

Allele frequency attached by ClinVar (database versions not stated): gnomAD 0.00001; gnomAD exomes 0.00001; TOPMed 0.00002.
gnomAD v4.1: 28 of 1,581,488 alleles (0.0018%); highest among the groups gnomAD compares: Non-Finnish European, 0.0022%; no homozygotes.

Submissions (3):

Genome-Nilou Lab
Classification: Uncertain significance for Autosomal recessive limb-girdle muscular dystrophy type 2D. Last evaluated: 2023-02-08. Review status: criteria provided, single submitter. Criteria: ACMG Guidelines, 2015. Collection method: clinical testing. Allele origin: germline.

Labcorp Genetics (formerly Invitae), Labcorp
Classification: Uncertain significance for Autosomal recessive limb-girdle muscular dystrophy type 2D. Last evaluated: 2022-08-16. Review status: criteria provided, single submitter. Criteria: Invitae Variant Classification Sherloc (09022015). Collection method: clinical testing. Allele origin: germline.
Comment: This sequence change replaces glycine, which is neutral and non-polar, with alanine, which is neutral and non-polar, at codon 163 of the SGCA protein (p.Gly163Ala). This variant is present in population databases (no rsID available, gnomAD 0.004%). This variant has not been reported in the literature in individuals affected with SGCA-related conditions. ClinVar contains an entry for this variant (Variation ID: 889019). Advanced modeling of protein sequence and biophysical properties (such as structural, functional, and spatial information, amino acid conservation, physicochemical variation, residue mobility, and thermodynamic stability) performed at Invitae indicates that this missense variant is expected to disrupt SGCA protein function. In summary, the available evidence is currently insufficient to determine the role of this variant in disease. Therefore, it has been classified as a Variant of Uncertain Significance.

Illumina Laboratory Services, Illumina
Classification: Uncertain significance for Sarcoglycanopathy. Last evaluated: 2017-04-27. Review status: criteria provided, single submitter. Criteria: ICSL Variant Classification Criteria 13 December 2019. Collection method: clinical testing. Allele origin: germline.